The following is an entry in ClinVar:

ClinVar aggregate classification (germline): Conflicting classifications of pathogenicity. Review status: criteria provided, conflicting classifications (1 of 4 stars). 4 submissions from 4 submitters: Uncertain significance (2); Likely benign (1). 1 of the submissions does not count toward it. Last evaluated 2026-01-12.

Conditions:
PEX6-related disorder. Also called: PEX6-related condition; PEX6-related disorders.
Peroxisome biogenesis disorder. Identifiers: Orphanet 79189, MedGen C1832200, MONDO:0019234. Disease mechanism: loss of function.
Inborn genetic diseases. Identifiers: MedGen C0950123, MeSH D030342.

Allele frequency attached by ClinVar (database versions not stated): TOPMed 0.00002; gnomAD 0.00004; gnomAD exomes 0.00007; ExAC 0.00022; 1000 Genomes Project 30x 0.00031; 1000 Genomes Project 0.00040.
gnomAD v4.1: 108 of 1,614,182 alleles (0.0067%); highest among the groups gnomAD compares: South Asian, 0.11%; 1 homozygote.

Submissions (4):

Labcorp Genetics (formerly Invitae), Labcorp
Classification: Likely benign for Peroxisome biogenesis disorder. Last evaluated: 2026-01-12. Review status: criteria provided, single submitter. Criteria: Invitae Variant Classification Sherloc (09022015). Collection method: clinical testing. Allele origin: germline.

Ambry Genetics
Classification: Uncertain significance for Inborn genetic diseases. Last evaluated: 2025-07-15. Review status: criteria provided, single submitter. Criteria: Ambry Variant Classification Scheme 2023. Collection method: clinical testing. Allele origin: germline.

Mayo Clinic Laboratories, Mayo Clinic
Classification: Uncertain significance. Last evaluated: 2023-11-15. Review status: criteria provided, single submitter. Criteria: ACMG Guidelines, 2015. Collection method: clinical testing. Allele origin: germline. Observed: 1 variant allele.
Comment: BS1

PreventionGenetics, part of Exact Sciences
Classification: Uncertain significance for PEX6-related condition. Last evaluated: 2024-01-22. Review status: no assertion criteria provided. Collection method: clinical testing. Allele origin: germline. Not counted in ClinVar's aggregate classification.
Comment: The PEX6 c.2026G>A variant is predicted to result in the amino acid substitution p.Ala676Thr. To our knowledge, this variant has not been reported in the literature. This variant is reported in 0.12% of alleles in individuals of South Asian descent in gnomAD. Although we suspect that this variant may be benign, at this time, the clinical significance of this variant is uncertain due to the absence of conclusive functional and genetic evidence.

NM_000287.4(PEX6):c.2026G>A (p.Ala676Thr)

Gene: PEX6 (peroxisomal biogenesis factor 6; minus strand). Cytogenetic location: 6p21.1.
Variant type: single nucleotide variant.
Coding change: c.2026G>A on transcript NM_000287.4 (MANE Select); coding-DNA position 2026, G replaced by A.
Protein change: p.Ala676Thr; replaces alanine 676 with threonine.
Molecular consequence: missense variant. On other transcripts: non-coding transcript variant (1).
Genome position (GRCh38, 1-based): chr6:42,966,593, C>T on the plus strand (G>A on the coding strand, the complement: PEX6 is on the minus strand). VCF-style: chr6-42966593-C-T. GRCh37 (hg19) VCF-style: chr6-42934331-C-T.
Other names: p.Ala676Thr; c.1762G>A, p.Ala588Thr (NM_001316313.2); c.2026G>A (NM_000287.3); short protein forms A676T, A588T.
Identifiers: ClinVar variation 2168230 (VCV002168230.8), dbSNP rs576399709, ClinGen allele CA3811141.